The following is an entry in ClinVar:

NM_001148.6(ANK2):c.2002C>A (p.Leu668Met)

Gene: ANK2 (ankyrin 2; plus strand). Cytogenetic location: 4q26.
Variant type: single nucleotide variant.
Coding change: c.2002C>A on transcript NM_001148.6 (MANE Select); coding-DNA position 2002, C replaced by A.
Protein change: p.Leu668Met; replaces leucine 668 with methionine.
Molecular consequence: missense variant.
Genome position (GRCh38, 1-based): chr4:113,282,795, C>A. VCF-style: chr4-113282795-C-A. GRCh37 (hg19) VCF-style: chr4-114203951-C-A.
Other names: c.1939C>A, p.Leu647Met (NM_001127493.3, NM_001354239.2, NM_001354254.2 and 10 more transcripts); c.2002C>A, p.Leu668Met (NM_001354225.2, NM_001354228.2, NM_001354232.2 and 6 more transcripts); c.2047C>A, p.Leu683Met (NM_001354230.2, NM_001354231.2, NM_001354237.2 and 5 more transcripts); c.1840C>A, p.Leu614Met (NM_001354257.2, NM_001354253.2, NM_001354270.2 and 1 more transcripts); c.1816C>A, p.Leu606Met (NM_001354260.2, NM_001354271.2, NM_001386151.1); c.1903C>A, p.Leu635Met (NM_001354245.2, NM_001354268.2); c.1915C>A, p.Leu639Met (NM_001354249.2, NM_001354266.2, NM_001354267.2 and 10 more transcripts); c.1792C>A, p.Leu598Met (NM_001354269.3); and 8 more; short protein forms L573M, L614M, L639M, L654M, L668M, L677M, L656M, L664M.
Identifiers: ClinVar variation 2762998 (VCV002762998.3), dbSNP rs1284675498, ClinGen allele CA357914086.
Genomic context (GRCh38, chr4:113,282,795, plus strand): 5'-CTCCTGAACTATGGAGCAGAGACAAACATTGTGACAAAGCAAGGAGTAACTCCACTCCAT[C>A]TGGCCTCGCAGGAGGGGCACACAGATATGGTTACCTTGCTTCTGGATAAGGGAGCCAATA-3'
Protein context (NP_001139.3, residues 658-678): VTKQGVTPLH[Leu668Met]ASQEGHTDMV

ClinVar aggregate classification (germline): Uncertain significance (1 of 4 stars; one submission).

Conditions:
Long QT syndrome (LQTS). Identifiers: MedGen C0023976, MeSH D008133, MONDO:0002442. Disease mechanism: loss of function. Inheritance: Various modes of inheritance.

Allele frequency attached by ClinVar (database versions not stated): TOPMed 0.00001; gnomAD exomes 0.00003.
gnomAD v4.1: 17 of 1,614,038 alleles (0.0011%); highest among the groups gnomAD compares: East Asian, 0.038%; no homozygotes.

Submission:

Labcorp Genetics (formerly Invitae), Labcorp
Classification: Uncertain significance for Long QT syndrome. Last evaluated: 2024-04-03. Review status: criteria provided, single submitter. Criteria: Invitae Variant Classification Sherloc (09022015). Collection method: clinical testing. Allele origin: germline.
Comment: This sequence change replaces leucine, which is neutral and non-polar, with methionine, which is neutral and non-polar, at codon 668 of the ANK2 protein (p.Leu668Met). This variant is present in population databases (no rsID available, gnomAD 0.05%). This missense change has been observed in individual(s) with ANK2-related conditions (PMID: 30564305, 32508047). This variant is also known as c.2098C>A (p.Leu700Met). Advanced modeling of protein sequence and biophysical properties (such as structural, functional, and spatial information, amino acid conservation, physicochemical variation, residue mobility, and thermodynamic stability) has been performed at Invitae for this missense variant, however the output from this modeling did not meet the statistical confidence thresholds required to predict the impact of this variant on ANK2 protein function. In summary, the available evidence is currently insufficient to determine the role of this variant in disease. Therefore, it has been classified as a Variant of Uncertain Significance.

Literature cited by the submitters: PubMed 30564305; PubMed 32508047.